The following is an entry in ClinVar:

ClinVar aggregate classification (germline): Pathogenic (1 of 4 stars; one submission).

Conditions:
Epidermolysis bullosa simplex with nail dystrophy (EBS5D). Identifiers: MedGen C4225309, MONDO:0014661, OMIM 616487.
Epidermolysis bullosa simplex 5C, with pyloric atresia (EBS5C). Also called: PLEC-Related Epidermolysis Bullosa with Pyloric Atresia; Epidermolysis bullosa simplex with pyloric atresia; PLEC1-Related Epidermolysis Bullosa with Pyloric Atresia. Identifiers: Orphanet 158684, MedGen C2677349, MONDO:0012807, OMIM 612138.
Autosomal recessive limb-girdle muscular dystrophy type 2Q (LGMDR17). Also called: MUSCULAR DYSTROPHY, LIMB-GIRDLE, AUTOSOMAL RECESSIVE 17. Identifiers: Orphanet 254361, MedGen C3150989, MONDO:0013390, OMIM 613723.
Epidermolysis bullosa simplex 5B, with muscular dystrophy (EBS5B). Also called: Epidermolysis bullosa simplex with muscular dystrophy; EPIDERMOLYSIS BULLOSA SIMPLEX AND LIMB-GIRDLE MUSCULAR DYSTROPHY. Identifiers: Orphanet 257, MedGen C2931072, MONDO:0009181, OMIM 226670.
Epidermolysis bullosa simplex, Ogna type (EBS5A). Also called: Pidermolysis bullosa simplex 5A, Ogna type; EPIDERMOLYSIS BULLOSA SIMPLEX 5A, OGNA TYPE. Identifiers: Orphanet 79401, MedGen C0432317, MONDO:0007555, OMIM 131950.

Submission:

Labcorp Genetics (formerly Invitae), Labcorp
Classification: Pathogenic for Autosomal recessive limb-girdle muscular dystrophy type 2Q; Epidermolysis bullosa simplex, Ogna type; Epidermolysis bullosa simplex with nail dystrophy; Epidermolysis bullosa simplex 5C, with pyloric atresia; Epidermolysis bullosa simplex 5B, with muscular dystrophy. Last evaluated: 2021-01-26. Review status: criteria provided, single submitter. Criteria: Invitae Variant Classification Sherloc (09022015). Collection method: clinical testing. Allele origin: germline.
Comment: This variant has not been reported in the literature in individuals with PLEC-related conditions. The frequency data for this variant in the population databases is considered unreliable, as metrics indicate insufficient coverage at this position in the ExAC database. This sequence change creates a premature translational stop signal (p.Gln1563*) in the PLEC gene. It is expected to result in an absent or disrupted protein product. Loss-of-function variants in PLEC are known to be pathogenic (PMID: 20301336, 20447487, 21109228, 23289980, 28824526). For these reasons, this variant has been classified as Pathogenic.

Literature cited by the submitters: PubMed 20301336; PubMed 20447487; PubMed 21109228; PubMed 23289980; PubMed 28824526.

NM_201384.3(PLEC):c.4606C>T (p.Gln1536Ter)

Gene: PLEC (plectin; minus strand). Cytogenetic location: 8q24.3.
Variant type: single nucleotide variant.
Coding change: c.4606C>T on transcript NM_201384.3 (MANE Select); coding-DNA position 4606, C replaced by T.
Protein change: p.Gln1536Ter; replaces glutamine 1536 with a stop codon.
Molecular consequence: nonsense.
Genome position (GRCh38, 1-based): chr8:143,925,323, G>A on the plus strand (C>T on the coding strand, the complement: PLEC is on the minus strand). VCF-style: chr8-143925323-G-A. GRCh37 (hg19) VCF-style: chr8-144999491-G-A.
Other names: c.4687C>T, p.Gln1563Ter (NM_000445.5); c.4564C>T, p.Gln1522Ter (NM_201378.4); c.4540C>T, p.Gln1514Ter (NM_201379.3); c.5017C>T, p.Gln1673Ter (NM_201380.4); c.4510C>T, p.Gln1504Ter (NM_201381.3); c.4606C>T, p.Gln1536Ter (NM_201382.4); c.4618C>T, p.Gln1540Ter (NM_201383.3); short protein forms Q1504*, Q1536*, Q1673*, Q1522*, Q1563*, Q1514*, Q1540*.
Identifiers: ClinVar variation 1459261 (VCV001459261.6), dbSNP rs2131471759, ClinGen allele CA372554797.